The following is an entry in ClinVar:

ClinVar aggregate classification (germline): Uncertain significance (1 of 4 stars; one submission).

Conditions:
Hereditary cancer-predisposing syndrome. Also called: Hereditary neoplastic syndrome; Neoplastic Syndromes, Hereditary; Tumor predisposition; Hereditary Cancer Syndrome. Identifiers: Orphanet 140162, MedGen C0027672, MeSH D009386, MONDO:0015356.

Submission:

Ambry Genetics
Classification: Uncertain significance for Hereditary cancer-predisposing syndrome. Last evaluated: 2025-08-11. Review status: criteria provided, single submitter. Criteria: Ambry Variant Classification Scheme 2023. Collection method: clinical testing. Allele origin: germline.
Comment: The p.A1344D variant (also known as c.4031C>A), located in coding exon 23 of the PTCH1 gene, results from a C to A substitution at nucleotide position 4031. The alanine at codon 1344 is replaced by aspartic acid, an amino acid with dissimilar properties. This amino acid position is conserved. In addition, the in silico prediction for this alteration is inconclusive. Based on the available evidence, the clinical significance of this variant remains unclear.

NM_000264.5(PTCH1):c.4031C>A (p.Ala1344Asp)

Gene: PTCH1 (patched 1; minus strand). Cytogenetic location: 9q22.32.
Variant type: single nucleotide variant.
Coding change: c.4031C>A on transcript NM_000264.5 (MANE Select); coding-DNA position 4031, C replaced by A.
Protein change: p.Ala1344Asp; replaces alanine 1344 with aspartic acid.
Molecular consequence: missense variant. On other transcripts: non-coding transcript variant (1).
Genome position (GRCh38, 1-based): chr9:95,447,225, G>T on the plus strand (C>A on the coding strand, the complement: PTCH1 is on the minus strand). VCF-style: chr9-95447225-G-T. GRCh37 (hg19) VCF-style: chr9-98209507-G-T.
Other names: c.3833C>A, p.Ala1278Asp (NM_001083602.3); c.4028C>A, p.Ala1343Asp (NM_001083603.3); c.3578C>A, p.Ala1193Asp (NM_001083604.3, NM_001083605.3, NM_001083606.3 and 1 more transcripts); c.3875C>A, p.Ala1292Asp (NM_001354918.2); short protein forms A1343D, A1344D, A1193D, A1278D, A1292D.
Identifiers: ClinVar variation 4146880 (VCV004146880.1).
Genomic context (GRCh38, chr9:95,447,225, plus strand): 5'-TAGCCGGGCACGGAGCTGCCCATGGCAGTGGACGCTGGGTTCCGAGGGTTGTGAGAACGG[G>T]CCCCGCGAGGGCCCCAGCGGGCCCTATTGCTAGGGCCAGAATGCCCTTCAGTAGAAATTT-3'
Protein context (NP_000255.2, residues 1334-1354): SNRARWGPRG[Ala1344Asp]RSHNPRNPAS